The following is an entry in ClinVar:

ClinVar aggregate classification (germline): Likely benign. Review status: criteria provided, single submitter (1 of 4 stars). 2 submissions from 2 submitters: Likely benign (1). 1 of the submissions does not count toward it. Last evaluated 2024-11-07.

Conditions:
TRIP12-related disorder. Also called: TRIP12-related condition.

Allele frequency attached by ClinVar (database versions not stated): gnomAD exomes 0.00001; ExAC 0.00002; TOPMed 0.00003; gnomAD 0.00005.
gnomAD v4.1: 30 of 1,611,084 alleles (0.0019%); highest among the groups gnomAD compares: East Asian, 0.016%; no homozygotes.

Submissions (2):

Blueprint Genetics
Classification: Likely benign. Last evaluated: 2024-11-07. Review status: criteria provided, single submitter. Criteria: ACMG Guidelines, 2015. Collection method: clinical testing. Allele origin: germline.

PreventionGenetics, part of Exact Sciences
Classification: Likely benign for TRIP12-related condition. Last evaluated: 2019-03-20. Review status: no assertion criteria provided. Collection method: clinical testing. Allele origin: germline. Not counted in ClinVar's aggregate classification.
Comment: This variant is classified as likely benign based on ACMG/AMP sequence variant interpretation guidelines (Richards et al. 2015 PMID: 25741868, with internal and published modifications).

NM_001348323.3(TRIP12):c.5209+10A>G

Gene: TRIP12 (thyroid hormone receptor interactor 12; minus strand). Cytogenetic location: 2q36.3.
Variant type: single nucleotide variant.
Coding change: c.5209+10A>G on transcript NM_001348323.3 (MANE Select); 10 bases into the intron after coding-DNA position 5209, A replaced by G.
Molecular consequence: intron variant.
Genome position (GRCh38, 1-based): chr2:229,778,866, T>C on the plus strand (A>G on the coding strand, the complement: TRIP12 is on the minus strand). VCF-style: chr2-229778866-T-C. GRCh37 (hg19) VCF-style: chr2-230643582-T-C.
Other names: c.4174+10A>G (NM_001284216.2); c.4984+10A>G (NM_004238.3); c.4987+10A>G (NM_001348331.1); c.5068+10A>G (NM_001348317.1, NM_001348318.2); c.5083+10A>G (NM_001284215.2, NM_001348316.2); c.5107+10A>G (NM_001348332.1); c.5128+10A>G (NM_001284214.2, NM_001348315.2); c.5194+10A>G (NM_001348319.1, NM_001348320.2); and 4 more.
Identifiers: ClinVar variation 3057437 (VCV003057437.3), dbSNP rs377147961, ClinGen allele CA2152381.
Genomic context (GRCh38, chr2:229,778,866, plus strand): 5'-CTAATAAACTGTCAGAGTCCATTACCTGATCTGAGTAACACAAACCAACTAACTTACAGA[T>C]AGGCATTACCTTTTGGATTGCTAAGAGTTACTTCTTCACCTCTCCAAAGACCCAAGTCAG-3'